The following is an entry in ClinVar:

ClinVar aggregate classification (germline): Likely benign. Review status: criteria provided, multiple submitters, no conflicts (2 of 4 stars). 3 submissions from 3 submitters: Likely benign (2). 1 of the submissions does not count toward it. Last evaluated 2026-01-05.

Conditions:
TTN-related disorder. Also called: TTN-related disorders; TTN-related condition; TTN-related disease.
Autosomal recessive limb-girdle muscular dystrophy type 2J (LGMDR10). Also called: Limb-girdle muscular dystrophy, type 2J; MUSCULAR DYSTROPHY, LIMB-GIRDLE, AUTOSOMAL RECESSIVE 10. Identifiers: Orphanet 140922, MedGen C1837342, MONDO:0012127, OMIM 608807.
Dilated cardiomyopathy 1G (CMD1G). Identifiers: Orphanet 154, MedGen C1858763, MONDO:0011400, OMIM 604145.

Allele frequency attached by ClinVar (database versions not stated): ExAC 0.00001; gnomAD exomes 0.00001; gnomAD 0.00008; TOPMed 0.00015.

Submissions (3):

Labcorp Genetics (formerly Invitae), Labcorp
Classification: Likely benign for Dilated cardiomyopathy 1G; Autosomal recessive limb-girdle muscular dystrophy type 2J. Last evaluated: 2026-01-05. Review status: criteria provided, single submitter. Criteria: Invitae Variant Classification Sherloc (09022015). Collection method: clinical testing. Allele origin: germline.

Blueprint Genetics
Classification: Likely benign. Last evaluated: 2023-09-05. Review status: criteria provided, single submitter. Criteria: ACMG Guidelines, 2015. Collection method: clinical testing. Allele origin: germline.

PreventionGenetics, part of Exact Sciences
Classification: Likely benign for TTN-related condition. Last evaluated: 2021-02-10. Review status: no assertion criteria provided. Collection method: clinical testing. Allele origin: germline. Not counted in ClinVar's aggregate classification.
Comment: This variant is classified as likely benign based on ACMG/AMP sequence variant interpretation guidelines (Richards et al. 2015 PMID: 25741868, with internal and published modifications).

NM_001267550.2(TTN):c.10458G>A (p.Ala3486=)

Gene: TTN (titin; minus strand). Cytogenetic location: 2q31.2.
Variant type: single nucleotide variant.
Coding change: c.10458G>A on transcript NM_001267550.2 (MANE Select); coding-DNA position 10458, G replaced by A.
Protein change: p.Ala3486=; no amino-acid change (alanine 3486 retained).
Molecular consequence: synonymous variant. On other transcripts: intron variant (5).
Genome position (GRCh38, 1-based): chr2:178,757,762, C>T on the plus strand (G>A on the coding strand, the complement: TTN is on the minus strand). VCF-style: chr2-178757762-C-T. GRCh37 (hg19) VCF-style: chr2-179622489-C-T.
Other names: c.10320G>A, p.Ala3440= (NM_133432.3); c.10165+1222G>A (NM_003319.4); c.10166-965G>A (NM_133437.4); c.10303+1222G>A (NM_133378.4, NM_001256850.1, NM_133379.5).
Identifiers: ClinVar variation 413152 (VCV000413152.15), dbSNP rs759465333, ClinGen allele CA2004102.